The following is an entry in ClinVar:

NM_015107.3(PHF8):c.1185T>C (p.His395=)

Gene: PHF8 (PHD finger protein 8; minus strand). Cytogenetic location: Xp11.22.
Variant type: single nucleotide variant.
Coding change: c.1185T>C on transcript NM_015107.3 (MANE Select); coding-DNA position 1185, T replaced by C.
Protein change: p.His395=; no amino-acid change (histidine 395 retained).
Molecular consequence: synonymous variant.
Genome position (GRCh38, 1-based): chrX:53,999,918, A>G on the plus strand (T>C on the coding strand, the complement: PHF8 is on the minus strand). VCF-style: chrX-53999918-A-G. GRCh37 (hg19) VCF-style: chrX-54026351-A-G.
Other names: c.1293T>C, p.His431= (NM_001184896.1); c.1185T>C, p.His395= (NM_001184897.2, NM_001184898.2).
Identifiers: ClinVar variation 1030412 (VCV001030412.1), dbSNP rs1468021929, ClinGen allele CA516565975.
Genomic context (GRCh38, chrX:53,999,918, plus strand): 5'-ATGCATATTTACTTCTTTCCTTGTCCAGGCTCTAAAGGCCAAGTTCAAGGCTTTGCCACC[A>G]TGGACCAGGTAGGAGGCAGGGTGTCTCCTGTTCTCTCGCAAACCTAAAGGAGGAAAGAGG-3'
Protein context (NP_055922.1, residues 385-405): NRRHPASYLV[His395=]GGKALNLAFR

ClinVar aggregate classification (germline): Uncertain significance (1 of 4 stars; one submission).

Conditions:
Intellectual developmental disorder, X-linked, syndromic, Siderius type. Also called: Syndromic X-linked intellectual disability Siderius type. Identifiers: Orphanet 85287, MedGen C1846055, MONDO:0010286, OMIM 300263.

Allele frequency attached by ClinVar (database versions not stated): TOPMed below 0.00001.

Submission:

Baylor Genetics
Classification: Uncertain significance for Intellectual developmental disorder, X-linked, syndromic, Siderius type. Last evaluated: 2019-08-15. Review status: criteria provided, single submitter. Criteria: ACMG Guidelines, 2015. Collection method: clinical testing. Allele origin: unknown. Affected: yes.
Comment: This variant was determined to be of uncertain significance according to ACMG Guidelines, 2015 [PMID:25741868].